The following is an entry in ClinVar:

NM_015338.6(ASXL1):c.566G>A (p.Gly189Glu)

Gene: ASXL1 (ASXL transcriptional regulator 1; plus strand). Cytogenetic location: 20q11.21.
Variant type: single nucleotide variant.
Coding change: c.566G>A on transcript NM_015338.6 (MANE Select); coding-DNA position 566, G replaced by A.
Protein change: p.Gly189Glu; replaces glycine 189 with glutamic acid.
Molecular consequence: missense variant. On other transcripts: intron variant (1).
Genome position (GRCh38, 1-based): chr20:32,429,901, G>A. VCF-style: chr20-32429901-G-A. GRCh37 (hg19) VCF-style: chr20-31017704-G-A.
Other names: c.535+470G>A (NM_001363734.1); short protein forms G189E.
Identifiers: ClinVar variation 3954986 (VCV003954986.1).

ClinVar aggregate classification (germline): Uncertain significance (1 of 4 stars; one submission).

Conditions:
Inborn genetic diseases. Identifiers: MedGen C0950123, MeSH D030342.

Submission:

Ambry Genetics
Classification: Uncertain significance for Inborn genetic diseases. Last evaluated: 2025-03-19. Review status: criteria provided, single submitter. Criteria: Ambry Variant Classification Scheme 2023. Collection method: clinical testing. Allele origin: germline.
Comment: The p.G189E variant (also known as c.566G>A) is located in coding exon 8 of the ASXL1 gene. The glycine at codon 189 is replaced by glutamic acid, an amino acid with similar properties. This change occurs in the first base pair of coding exon 8. This amino acid position is conserved. In addition, this alteration is predicted to be tolerated by in silico analysis. Based on the available evidence, the clinical significance of this variant remains unclear.